The following is an entry in ClinVar:

ClinVar aggregate classification (germline): Uncertain significance (1 of 4 stars; one submission).

Conditions:
Epilepsy, progressive myoclonic, 1B. Also called: PME. Identifiers: Orphanet 308, MedGen C2676254, MONDO:0012904, OMIM 612437.

Allele frequency attached by ClinVar (database versions not stated): gnomAD exomes below 0.00001.
gnomAD v4.1: 1 of 1,614,106 alleles (0.000062%); highest among the groups gnomAD compares: East Asian, 0.0022%; no homozygotes.

Submission:

Labcorp Genetics (formerly Invitae), Labcorp
Classification: Uncertain significance for Epilepsy, progressive myoclonic, 1B. Last evaluated: 2022-07-06. Review status: criteria provided, single submitter. Criteria: Invitae Variant Classification Sherloc (09022015). Collection method: clinical testing. Allele origin: germline.
Comment: This sequence change replaces leucine, which is neutral and non-polar, with serine, which is neutral and polar, at codon 375 of the PRICKLE1 protein (p.Leu375Ser). In summary, the available evidence is currently insufficient to determine the role of this variant in disease. Therefore, it has been classified as a Variant of Uncertain Significance. Algorithms developed to predict the effect of missense changes on protein structure and function are either unavailable or do not agree on the potential impact of this missense change (SIFT: "Deleterious"; PolyPhen-2: "Possibly Damaging"; Align-GVGD: "Class C0"). ClinVar contains an entry for this variant (Variation ID: 1395713). This variant has not been reported in the literature in individuals affected with PRICKLE1-related conditions. This variant is not present in population databases (gnomAD no frequency).

NM_153026.3(PRICKLE1):c.1124T>C (p.Leu375Ser)

Genes: PRICKLE1 (prickle planar cell polarity protein 1; minus strand), LOC126861509 (BRD4-independent group 4 enhancer GRCh37_chr12:42858567-42859766; plus strand). Cytogenetic location: 12q12.
Variant type: single nucleotide variant.
Coding change: c.1124T>C on transcript NM_153026.3 (MANE Select); coding-DNA position 1124, T replaced by C.
Protein change: p.Leu375Ser; replaces leucine 375 with serine.
Molecular consequence: missense variant.
Genome position (GRCh38, 1-based): chr12:42,464,910, A>G on the plus strand (T>C on the coding strand, the complement: PRICKLE1 is on the minus strand). VCF-style: chr12-42464910-A-G. GRCh37 (hg19) VCF-style: chr12-42858712-A-G.
Other names: c.1124T>C, p.Leu375Ser (NM_001144881.2, NM_001144882.2, NM_001144883.2); short protein forms L375S.
Identifiers: ClinVar variation 1395713 (VCV001395713.6), dbSNP rs1239638305, ClinGen allele CA384442419.